The following is an entry in ClinVar:

ClinVar aggregate classification (germline): Uncertain significance (1 of 4 stars; one submission).

Conditions:
3-Methylglutaconic aciduria type 2 (BTHS). Also called: CARDIOSKELETAL MYOPATHY WITH NEUTROPENIA AND ABNORMAL MITOCHONDRIA; Barth syndrome. Identifiers: Orphanet 111, MedGen C0574083, MONDO:0010543, OMIM 302060.

Submission:

Labcorp Genetics (formerly Invitae), Labcorp
Classification: Uncertain significance for 3-Methylglutaconic aciduria type 2. Last evaluated: 2025-02-06. Review status: criteria provided, single submitter. Criteria: Invitae Variant Classification Sherloc (09022015). Collection method: clinical testing. Allele origin: germline.
Comment: This sequence change replaces alanine, which is neutral and non-polar, with valine, which is neutral and non-polar, at codon 98 of the TAZ protein (p.Ala98Val). This variant is not present in population databases (gnomAD no frequency). This variant has not been reported in the literature in individuals affected with TAZ-related conditions. An algorithm developed to predict the effect of missense changes on protein structure and function (PolyPhen-2) suggests that this variant is likely to be tolerated. In summary, the available evidence is currently insufficient to determine the role of this variant in disease. Therefore, it has been classified as a Variant of Uncertain Significance.

NM_000116.5(TAFAZZIN):c.293C>T (p.Ala98Val)

Gene: TAFAZZIN (tafazzin, phospholipid-lysophospholipid transacylase; plus strand). Cytogenetic location: Xq28.
Variant type: single nucleotide variant.
Coding change: c.293C>T on transcript NM_000116.5 (MANE Select); coding-DNA position 293, C replaced by T.
Protein change: p.Ala98Val; replaces alanine 98 with valine.
Molecular consequence: missense variant. On other transcripts: non-coding transcript variant (1).
Genome position (GRCh38, 1-based): chrX:154,413,490, C>T. VCF-style: chrX-154413490-C-T. GRCh37 (hg19) VCF-style: chrX-153641827-C-T.
Other names: c.347C>T, p.Ala116Val (NM_001303465.2, NM_001410698.1); c.293C>T, p.Ala98Val (NM_181311.4, NM_181312.4, NM_181313.4); short protein forms A98V, A116V.
Identifiers: ClinVar variation 3691786 (VCV003691786.2).